The following is an entry in ClinVar:

ClinVar aggregate classification (germline): Uncertain significance. Review status: criteria provided, multiple submitters, no conflicts (2 of 4 stars). 7 submissions from 7 submitters: Uncertain significance (6). 1 of the submissions does not count toward it. Last evaluated 2025-11-01.

Conditions:
Hereditary spastic paraplegia 46. Also called: Spastic paraplegia 46, autosomal recessive. Identifiers: Orphanet 320391, MedGen C2828721, MONDO:0013737, OMIM 614409.
Spastic paraplegia. Identifiers: MedGen C0037772, HP:0001258.

Allele frequency attached by ClinVar (database versions not stated): TOPMed 0.00003; gnomAD exomes 0.00004 and 0.00005; gnomAD 0.00006 and 0.00009; ExAC 0.00008; 1000 Genomes Project 30x 0.00047; 1000 Genomes Project 0.00060.
gnomAD v4.1: 99 of 1,614,206 alleles (0.0061%); highest among the groups gnomAD compares: Middle Eastern, 0.12%; 2 homozygotes.

Submissions (7):

CeGaT Center for Human Genetics Tuebingen
Classification: Uncertain significance. Last evaluated: 2025-11-01. Review status: criteria provided, single submitter. Criteria: CeGaT Center For Human Genetics Tuebingen Variant Classification Criteria Version 2. Collection method: clinical testing. Allele origin: germline. Affected: yes. Observed: 3 variant alleles.

Blueprint Genetics
Classification: Uncertain significance. Last evaluated: 2024-08-09. Review status: criteria provided, single submitter. Criteria: ACMG Guidelines, 2015. Collection method: clinical testing. Allele origin: germline.

Mayo Clinic Laboratories, Mayo Clinic
Classification: Uncertain significance. Last evaluated: 2024-06-06. Review status: criteria provided, single submitter. Criteria: ACMG Guidelines, 2015. Collection method: clinical testing. Allele origin: germline. Observed: 1 variant allele.
Comment: BP4

Labcorp Genetics (formerly Invitae), Labcorp
Classification: Uncertain significance for Spastic paraplegia. Last evaluated: 2021-11-09. Review status: criteria provided, single submitter. Criteria: Invitae Variant Classification Sherloc (09022015). Collection method: clinical testing. Allele origin: germline.
Comment: This sequence change replaces cysteine, which is neutral and slightly polar, with serine, which is neutral and polar, at codon 89 of the GBA2 protein (p.Cys89Ser). This variant is present in population databases (rs143885818, gnomAD 0.02%). This variant has not been reported in the literature in individuals affected with GBA2-related conditions. ClinVar contains an entry for this variant (Variation ID: 657136). Algorithms developed to predict the effect of missense changes on protein structure and function (SIFT, PolyPhen-2, Align-GVGD) all suggest that this variant is likely to be tolerated. In summary, the available evidence is currently insufficient to determine the role of this variant in disease. Therefore, it has been classified as a Variant of Uncertain Significance.

Baylor Genetics
Classification: Uncertain significance for Hereditary spastic paraplegia 46. Last evaluated: 2019-12-13. Review status: criteria provided, single submitter. Criteria: ACMG Guidelines, 2015. Collection method: clinical testing. Allele origin: unknown. Affected: yes.
Comment: This variant was determined to be of uncertain significance according to ACMG Guidelines, 2015 [PMID:25741868].

Breakthrough Genomics
Classification: Uncertain significance. Review status: criteria provided, single submitter. Criteria: ACMG Guidelines, 2015. Collection method: not provided. Allele origin: germline. Inheritance: Autosomal recessive inheritance. Affected: yes.

Genesis Genoma Lab
Classification: Likely benign for Hereditary spastic paraplegia 46. Last evaluated: 2022-06-16. Review status: no assertion criteria provided. Collection method: clinical testing. Allele origin: unknown. Inheritance: Autosomal recessive inheritance. Observed: 1 homozygote. Not counted in ClinVar's aggregate classification.
Comment: According to our knowledge it has not been reported in the scientific literature in patients affected with spastic paraplegia. Measurement of the activity of beta-glucosidase enzyme showed a 20-25% decrease of the enzymatic activity in the patient's leukocytes compared to controls. In most patients tested up to date the residual beta-glucosidase enzymatic activity is close to zero. According to the above we characterise the variant as likely benign

Literature cited by the submitters: PubMed 34234304 (cited by Mayo Clinic Laboratories, Mayo Clinic).

NM_020944.3(GBA2):c.266G>C (p.Cys89Ser)

Gene: GBA2 (glucosylceramidase beta 2; minus strand). Cytogenetic location: 9p13.3.
Variant type: single nucleotide variant.
Coding change: c.266G>C on transcript NM_020944.3 (MANE Select); coding-DNA position 266, G replaced by C.
Protein change: p.Cys89Ser; replaces cysteine 89 with serine.
Molecular consequence: missense variant.
Genome position (GRCh38, 1-based): chr9:35,748,439, C>G on the plus strand (G>C on the coding strand, the complement: GBA2 is on the minus strand). VCF-style: chr9-35748439-C-G. GRCh37 (hg19) VCF-style: chr9-35748436-C-G.
Other names: p.Cys89Ser; c.266G>C, p.Cys89Ser (NM_001330660.2); short protein forms C89S.
Identifiers: ClinVar variation 657136 (VCV000657136.52), dbSNP rs143885818, ClinGen allele CA5050769.